The following is an entry in ClinVar:

NM_001374828.1(ARID1B):c.4911dup (p.His1638fs)

Gene: ARID1B (AT-rich interaction domain 1B; plus strand). Cytogenetic location: 6q25.3.
Variant type: Duplication.
Coding change: c.4911dup on transcript NM_001374828.1 (MANE Select); coding-DNA position 4911, one base duplicated (T; older notation c.4911dupT).
Protein change: p.His1638fs; shifts the reading frame from histidine 1638.
Molecular consequence: frameshift variant.
Genome position (GRCh38, 1-based): chr6:157,201,136, T duplicated. VCF-style (leftmost placement, unchanged base first): chr6-157201135-C-CT. GRCh37 (hg19) VCF-style: chr6-157522269-C-CT.
Other names: c.4542dupT (NM_020732.3); c.2412dup, p.His805fs (NM_001363725.2); c.4791dup, p.His1598fs (NM_001371656.1, NM_001374820.1); c.4752dup, p.His1585fs (NM_017519.3); short protein forms H1585fs, H1598fs, H1638fs, H805fs.
Identifiers: ClinVar variation 1804915 (VCV001804915.1), dbSNP rs2538681872, ClinGen allele CA1139771216.
Genomic context (GRCh38, chr6:157,201,135, plus strand): 5'-ACCGCACAGACGATATGATGGTACCCGATCAGAGGATAAATCATGAGAGCCAGTGGCCTT[C>CT]TCACGTCAGCCAGCGTCAGCCTTATATGTCGTCCTCAGCCTCCATGCAGCCCATCACACG-3'

ClinVar aggregate classification (germline): Pathogenic (1 of 4 stars; one submission).

Conditions:
Coffin-Siris syndrome 1 (CSS1). Also called: ARID1B-Related Coffin-Siris Syndrome; Mental retardation, autosomal dominant 12. Identifiers: Orphanet 1465, MedGen C3281201, MONDO:0007617, OMIM 135900. Disease mechanism: gain of function.

Submission:

Victorian Clinical Genetics Services, Murdoch Childrens Research Institute
Classification: Pathogenic for Coffin-Siris syndrome 1. Last evaluated: 2021-05-06. Review status: criteria provided, single submitter. Criteria: ACMG Guidelines, 2015. Collection method: clinical testing. Allele origin: germline. Inheritance: Autosomal dominant inheritance.
Comment: Based on the classification scheme VCGS_Germline_v1.3.4, this variant is classified as Pathogenic. Following criteria are met: 0102 - Loss of function is a known mechanism of disease in this gene and is associated with Coffin-Siris syndrome 1 (MIM#135900). (I) 0107 - This gene is associated with autosomal dominant disease. (I) 0115 - Variants in this gene are known to have variable expressivity (PMID: 33768696). (I) 0201 - Variant is predicted to cause nonsense-mediated decay (NMD) and loss of protein (premature termination codon is located at least 54 nucleotides upstream of the final exon-exon junction). (SP) 0251 - This variant is heterozygous. (I) 0301 - Variant is absent from gnomAD (both v2 and v3). (SP) 0701 - Other NMD variants comparable to the one identified in this case have very strong previous evidence for pathogenicity (ClinVar, DECIPHER). (SP) 0807 - This variant has no previous evidence of pathogenicity. (I) 0905 - No published segregation evidence has been identified for this variant. (I) 1007 - No published functional evidence has been identified for this variant. (I) 1101 - Very strong and specific phenotype match for this individual. (SP) 1208 - Inheritance information for this variant is not currently available in this individual. (I) Legend: (SP) - Supporting pathogenic, (I) - Information, (SB) - Supporting benign

Literature cited by the submitters: PubMed 33768696.